The following is an entry in ClinVar:

NM_001999.4(FBN2):c.7244G>A (p.Gly2415Glu)

Gene: FBN2 (fibrillin 2; minus strand). Cytogenetic location: 5q23.3.
Variant type: single nucleotide variant.
Coding change: c.7244G>A on transcript NM_001999.4 (MANE Select); coding-DNA position 7244, G replaced by A.
Protein change: p.Gly2415Glu; replaces glycine 2415 with glutamic acid.
Molecular consequence: missense variant.
Genome position (GRCh38, 1-based): chr5:128,278,736, C>T on the plus strand (G>A on the coding strand, the complement: FBN2 is on the minus strand). VCF-style: chr5-128278736-C-T. GRCh37 (hg19) VCF-style: chr5-127614428-C-T.
Other names: short protein forms G2415E.
Identifiers: ClinVar variation 3513666 (VCV003513666.1).

ClinVar aggregate classification (germline): Uncertain significance (1 of 4 stars; one submission).

Conditions:
Familial thoracic aortic aneurysm and aortic dissection (TAAD). Also called: Thoracic aortic aneurysms and dissections. Identifiers: Orphanet 91387, MedGen C4707243, MONDO:0019625.

Submission:

Ambry Genetics
Classification: Uncertain significance for Familial thoracic aortic aneurysm and aortic dissection. Last evaluated: 2024-11-21. Review status: criteria provided, single submitter. Criteria: Ambry Variant Classification Scheme 2023. Collection method: clinical testing. Allele origin: germline.
Comment: The p.G2415E variant (also known as c.7244G>A), located in coding exon 57 of the FBN2 gene, results from a G to A substitution at nucleotide position 7244. The glycine at codon 2415 is replaced by glutamic acid, an amino acid with similar properties. This amino acid position is highly conserved in available vertebrate species. In addition, this alteration is predicted to be deleterious by in silico analysis. Based on the available evidence, the clinical significance of this variant remains unclear.